The following is an entry in ClinVar:

ClinVar aggregate classification (germline): Likely benign. Review status: criteria provided, multiple submitters, no conflicts (2 of 4 stars). 3 submissions from 3 submitters: Likely benign (3). Last evaluated 2026-05-11.

Conditions:
Hereditary cancer-predisposing syndrome. Also called: Hereditary neoplastic syndrome; Neoplastic Syndromes, Hereditary; Hereditary Cancer Syndrome; Tumor predisposition. Identifiers: Orphanet 140162, MedGen C0027672, MeSH D009386, MONDO:0015356.
Cardiovascular phenotype. Identifiers: MedGen CN230736.
Neurofibromatosis, type 1 (NF1). Also called: Peripheral type neurofibromatosis; Neurofibromatosis, type I; VON RECKLINGHAUSEN DISEASE; NEUROFIBROMATOSIS, TYPE I, SOMATIC. Identifiers: Orphanet 636, MedGen C0027831, MONDO:0018975, OMIM 162200. Disease mechanism: loss of function.

Allele frequency attached by ClinVar (database versions not stated): TOPMed 0.00001; gnomAD 0.00001.
gnomAD v4.1: 10 of 1,539,318 alleles (0.00065%); highest among the groups gnomAD compares: African/African-American, 0.0014%; no homozygotes.

Submissions (3):

Myriad Genetics, Inc.
Classification: Likely benign for Neurofibromatosis, type 1. Last evaluated: 2026-05-11. Review status: criteria provided, single submitter. Criteria: Myriad Autosomal Dominant, Autosomal Recessive and X-Linked Classification Criteria (2023). Collection method: clinical testing. Allele origin: unknown.
Comment: This variant is considered likely benign. This variant is intronic and is not expected to impact mRNA splicing.

Labcorp Genetics (formerly Invitae), Labcorp
Classification: Likely benign for Neurofibromatosis, type 1. Last evaluated: 2026-01-14. Review status: criteria provided, single submitter. Criteria: Invitae Variant Classification Sherloc (09022015). Collection method: clinical testing. Allele origin: germline.

Ambry Genetics
Classification: Likely benign for Cardiovascular phenotype; Hereditary cancer-predisposing syndrome. Last evaluated: 2020-01-29. Review status: criteria provided, single submitter. Criteria: Ambry Variant Classification Scheme 2023. Collection method: clinical testing. Allele origin: germline.

NM_001042492.3(NF1):c.60+5C>G

Genes: MIR4733HG (MIR4733 host gene; minus strand), NF1 (neurofibromin 1; plus strand), LOC111811965 (NF1 (neurofibromin 1) promoter region; plus strand). Cytogenetic location: 17q11.2.
Variant type: single nucleotide variant.
Coding change: c.60+5C>G on transcript NM_001042492.3 (MANE Select); 5 bases into the intron after coding-DNA position 60, C replaced by G.
Molecular consequence: intron variant. On other transcripts: non-coding transcript variant (1).
Genome position (GRCh38, 1-based): chr17:31,095,374, C>G. VCF-style: chr17-31095374-C-G. GRCh37 (hg19) VCF-style: chr17-29422392-C-G.
Other names: c.60+5C>G (NM_000267.4, NM_001128147.3).
Identifiers: ClinVar variation 457777 (VCV000457777.14), dbSNP rs879413062, ClinGen allele CA289314775.